The following is an entry in ClinVar:

NM_001942.4(DSG1):c.2108A>G (p.Tyr703Cys)

Genes: DSG1 (desmoglein 1; plus strand), DSG1-AS1 (DSG1 antisense RNA 1; minus strand), LOC126862720 (MED14-independent group 3 enhancer GRCh37_chr18:28933613-28934812; plus strand). Cytogenetic location: 18q12.1.
Variant type: single nucleotide variant.
Coding change: c.2108A>G on transcript NM_001942.4 (MANE Select); coding-DNA position 2108, A replaced by G.
Protein change: p.Tyr703Cys; replaces tyrosine 703 with cysteine.
Molecular consequence: missense variant.
Genome position (GRCh38, 1-based): chr18:31,354,304, A>G. VCF-style: chr18-31354304-A-G. GRCh37 (hg19) VCF-style: chr18-28934267-A-G.
Other names: short protein forms Y703C.
Identifiers: ClinVar variation 1363456 (VCV001363456.6), dbSNP rs750155269, ClinGen allele CA8926279.
Genomic context (GRCh38, chr18:31,354,304, plus strand): 5'-TATTGTTAAATATGCATTCATAATTTCATTTTCTCTTTCTCCTATAAATTCAGAAAGCAT[A>G]TGCTTACGCAGATGAAGATGAAGGACGCCCATCTAATGACTGTTTGCTCATATATGACAT-3'
Protein context (NP_001933.2, residues 693-713): FMESYFCQKA[Tyr703Cys]AYADEDEGRP

ClinVar aggregate classification (germline): Uncertain significance (1 of 4 stars; one submission).

Allele frequency attached by ClinVar (database versions not stated): ExAC 0.00001; gnomAD exomes 0.00001.
gnomAD v4.1: 32 of 1,613,764 alleles (0.002%); highest among the groups gnomAD compares: Middle Eastern, 0.016%; no homozygotes.

Submission:

Labcorp Genetics (formerly Invitae), Labcorp
Classification: Uncertain significance. Last evaluated: 2025-08-14. Review status: criteria provided, single submitter. Criteria: Invitae Variant Classification Sherloc (09022015). Collection method: clinical testing. Allele origin: germline.
Comment: This sequence change replaces tyrosine, which is neutral and polar, with cysteine, which is neutral and slightly polar, at codon 703 of the DSG1 protein (p.Tyr703Cys). This variant is present in population databases (rs750155269, gnomAD 0.002%). This variant has not been reported in the literature in individuals affected with DSG1-related conditions. ClinVar contains an entry for this variant (Variation ID: 1363456). Invitae Evidence Modeling of protein sequence and biophysical properties (such as structural, functional, and spatial information, amino acid conservation, physicochemical variation, residue mobility, and thermodynamic stability) indicates that this missense variant is not expected to disrupt DSG1 protein function with a negative predictive value of 80%. In summary, the available evidence is currently insufficient to determine the role of this variant in disease. Therefore, it has been classified as a Variant of Uncertain Significance.